The following is an entry in ClinVar:

ClinVar aggregate classification (germline): Likely benign (1 of 4 stars; one submission).

gnomAD v4.1: 4 of 1,526,838 alleles (0.00026%); highest among the groups gnomAD compares: Middle Eastern, 0.017%; no homozygotes.

Submission:

CeGaT Center for Human Genetics Tuebingen
Classification: Likely benign. Last evaluated: 2024-10-01. Review status: criteria provided, single submitter. Criteria: CeGaT Center For Human Genetics Tuebingen Variant Classification Criteria Version 2. Collection method: clinical testing. Allele origin: germline. Affected: yes. Observed: 1 variant allele.
Comment: MAGEL2: BP4, BP7

NM_019066.5(MAGEL2):c.369G>A (p.Pro123=)

Gene: MAGEL2 (MAGE family member L2; minus strand). Cytogenetic location: 15q11.2.
Variant type: single nucleotide variant.
Coding change: c.369G>A on transcript NM_019066.5 (MANE Select); coding-DNA position 369, G replaced by A.
Protein change: p.Pro123=; no amino-acid change (proline 123 retained).
Molecular consequence: synonymous variant.
Genome position (GRCh38, 1-based): chr15:23,647,374, C>T on the plus strand (G>A on the coding strand, the complement: MAGEL2 is on the minus strand). VCF-style: chr15-23647374-C-T. GRCh37 (hg19) VCF-style: chr15-23892521-C-T.
Identifiers: ClinVar variation 3388831 (VCV003388831.14).
Genomic context (GRCh38, chr15:23,647,374, plus strand): 5'-AGGAGGATGGGCCATGGGAGCTCCGGGAGCTGAAGGATGCACCATCAGGACTCCCGGGGT[C>T]GGAGGCTGGGCCATCGGGGCTCCCGGAGGTGGAGGATGCACCATCAGGACCCCGGGAGTC-3'
Protein context (NP_061939.3, residues 113-133): PPPGAPMAQP[Pro123=]TPGVLMVHPS